The following is an entry in ClinVar:

ClinVar aggregate classification (germline): Uncertain significance. Review status: criteria provided, multiple submitters, no conflicts (2 of 4 stars). 2 submissions from 2 submitters: Uncertain significance (2). Last evaluated 2022-11-04.

Conditions:
Diamond-Blackfan anemia 12 (DBA12). Also called: RPL15-Related Diamond-Blackfan Anemia. Identifiers: Orphanet 124, MedGen C3809888, MONDO:0014245, OMIM 615550.

Allele frequency attached by ClinVar (database versions not stated): gnomAD 0.00001; gnomAD exomes 0.00001 and below 0.00001; TOPMed 0.00001.
gnomAD v4.1: 4 of 1,613,746 alleles (0.00025%); highest among the groups gnomAD compares: Admixed American, 0.0017%; no homozygotes.

Submissions (2):

Labcorp Genetics (formerly Invitae), Labcorp
Classification: Uncertain significance. Last evaluated: 2022-11-04. Review status: criteria provided, single submitter. Criteria: Invitae Variant Classification Sherloc (09022015). Collection method: clinical testing. Allele origin: germline.
Comment: The frequency data for this variant in the population databases is considered unreliable, as metrics indicate poor data quality at this position in the gnomAD database. In summary, the available evidence is currently insufficient to determine the role of this variant in disease. Therefore, it has been classified as a Variant of Uncertain Significance. Algorithms developed to predict the effect of missense changes on protein structure and function are either unavailable or do not agree on the potential impact of this missense change (SIFT: "Deleterious"; PolyPhen-2: "Benign"; Align-GVGD: "Class C55"). ClinVar contains an entry for this variant (Variation ID: 1427182). This variant has not been reported in the literature in individuals affected with RPL15-related conditions. This sequence change replaces glycine, which is neutral and non-polar, with serine, which is neutral and polar, at codon 82 of the RPL15 protein (p.Gly82Ser).

Juno Genomics, Hangzhou Juno Genomics, Inc
Classification: Uncertain significance for Diamond-Blackfan anemia 12. Review status: criteria provided, single submitter. Criteria: ACMG Guidelines, 2015. Collection method: clinical testing. Allele origin: germline.
Comment: Absent from controls (or at extremely low frequency if recessive) in Genome Aggregation Database.;Multiple lines of computational evidence support a deleterious effect on the gene or gene product.

NM_002948.5(RPL15):c.244G>A (p.Gly82Ser)

Genes: NKIRAS1 (NFKB inhibitor interacting Ras like 1; minus strand), RPL15 (ribosomal protein L15; plus strand). Cytogenetic location: 3p24.2.
Variant type: single nucleotide variant.
Coding change: c.244G>A on transcript NM_002948.5 (MANE Select); coding-DNA position 244, G replaced by A.
Protein change: p.Gly82Ser; replaces glycine 82 with serine.
Molecular consequence: missense variant. On other transcripts: intron variant (1).
Genome position (GRCh38, 1-based): chr3:23,918,511, G>A. VCF-style: chr3-23918511-G-A. GRCh37 (hg19) VCF-style: chr3-23960002-G-A.
Other names: c.244G>A, p.Gly82Ser (NM_001253379.2, NM_001253380.2, NM_001253382.2 and 2 more transcripts); c.-139-7061C>T (NM_001377380.1); short protein forms G82S.
Identifiers: ClinVar variation 1427182 (VCV001427182.8), dbSNP rs1176899362, ClinGen allele CA351881694.